The following is an entry in ClinVar:

NM_001009944.3(PKD1):c.10578G>A (p.Leu3526=)

Genes: PKD1 (polycystin 1, transient receptor potential channel interacting; minus strand), PKD1-AS1 (PKD1 antisense RNA 1; plus strand). Cytogenetic location: 16p13.3.
Variant type: single nucleotide variant.
Coding change: c.10578G>A on transcript NM_001009944.3 (MANE Select); coding-DNA position 10578, G replaced by A.
Protein change: p.Leu3526=; no amino-acid change (leucine 3526 retained).
Molecular consequence: synonymous variant.
Genome position (GRCh38, 1-based): chr16:2,094,132, C>T on the plus strand (G>A on the coding strand, the complement: PKD1 is on the minus strand). VCF-style: chr16-2094132-C-T. GRCh37 (hg19) VCF-style: chr16-2144133-C-T.
Other names: c.10575G>A, p.Leu3525= (NM_000296.4).
Identifiers: ClinVar variation 4996815 (VCV004996815.1).

ClinVar aggregate classification (germline): Likely benign (1 of 4 stars; one submission).

Conditions:
PKD1-related disorder. Also called: PKD1-related condition.

gnomAD v4.1: 68 of 1,596,104 alleles (0.0043%); highest among the groups gnomAD compares: Admixed American, 0.12%; no homozygotes.

Submission:

PreventionGenetics, part of Exact Sciences
Classification: Likely benign for PKD1-related condition. Last evaluated: 2026-07-22. Review status: criteria provided, single submitter. Criteria: ACMG Guidelines, 2015. Collection method: clinical testing. Allele origin: germline.
Comment: This variant is classified as likely benign based on ACMG/AMP sequence variant interpretation guidelines (Richards et al. 2015 PMID: 25741868, with internal and published modifications).